The following is an entry in ClinVar:

ClinVar aggregate classification (germline): Uncertain significance (1 of 4 stars; one submission).

Submission:

Labcorp Genetics (formerly Invitae), Labcorp
Classification: Uncertain significance. Last evaluated: 2022-11-01. Review status: criteria provided, single submitter. Criteria: Invitae Variant Classification Sherloc (09022015). Collection method: clinical testing. Allele origin: germline.
Comment: In summary, the available evidence is currently insufficient to determine the role of this variant in disease. Therefore, it has been classified as a Variant of Uncertain Significance. This variant has not been reported in the literature in individuals affected with ADAMTS13-related conditions. This variant results in a copy number gain of the genomic region encompassing exon(s) 24-29 of the ADAMTS13 gene. This region includes the termination codon of the gene. This copy number gain extends beyond the assayed region for this gene and therefore may encompass additional genes. As the precise location of this event is unknown, it may be in tandem or it may be located elsewhere in the genome.

NC_000009.11:g.(?_136319517)_(136324302_?)dup

Gene: ADAMTS13 (ADAM metallopeptidase with thrombospondin type 1 motif 13; plus strand). Cytogenetic location: 9q34.2.
Variant type: Duplication.
Identifiers: ClinVar variation 2427274 (VCV002427274.3).